The following is an entry in ClinVar:

ClinVar aggregate classification (germline): Uncertain significance (1 of 4 stars; one submission).

Conditions:
Hereditary cancer-predisposing syndrome. Also called: Tumor predisposition; Hereditary neoplastic syndrome; Neoplastic Syndromes, Hereditary; Hereditary Cancer Syndrome. Identifiers: Orphanet 140162, MedGen C0027672, MeSH D009386, MONDO:0015356.

gnomAD v4.1: 1 of 1,613,914 alleles (0.000062%); highest among the groups gnomAD compares: Non-Finnish European, 0.000085%; no homozygotes.

Submission:

Ambry Genetics
Classification: Uncertain significance for Hereditary cancer-predisposing syndrome. Last evaluated: 2025-04-20. Review status: criteria provided, single submitter. Criteria: Ambry Variant Classification Scheme 2023. Collection method: clinical testing. Allele origin: germline.
Comment: The p.P435S variant (also known as c.1303C>T), located in coding exon 7 of the DICER1 gene, results from a C to T substitution at nucleotide position 1303. The proline at codon 435 is replaced by serine, an amino acid with similar properties. This amino acid position is conserved. In addition, this alteration is predicted to be tolerated by in silico analysis. Based on the available evidence, the clinical significance of this variant remains unclear.

NM_177438.3(DICER1):c.1303C>T (p.Pro435Ser)

Gene: DICER1 (dicer 1, ribonuclease III; minus strand). Cytogenetic location: 14q32.13.
Variant type: single nucleotide variant.
Coding change: c.1303C>T on transcript NM_177438.3 (MANE Select); coding-DNA position 1303, C replaced by T.
Protein change: p.Pro435Ser; replaces proline 435 with serine.
Molecular consequence: missense variant. On other transcripts: 5 prime UTR variant (1), non-coding transcript variant (6).
Genome position (GRCh38, 1-based): chr14:95,124,269, G>A on the plus strand (C>T on the coding strand, the complement: DICER1 is on the minus strand). VCF-style: chr14-95124269-G-A. GRCh37 (hg19) VCF-style: chr14-95590606-G-A.
Other names: c.1303C>T, p.Pro435Ser (NM_001195573.1, NM_001271282.3, NM_001291628.2 and 14 more transcripts); c.1021C>T, p.Pro341Ser (NM_001395686.1); c.898C>T, p.Pro300Ser (NM_001395687.1, NM_001395688.1, NM_001395689.1 and 3 more transcripts); c.736C>T, p.Pro246Ser (NM_001395691.1); c.-266C>T (NM_001395697.1); short protein forms P246S, P341S, P435S, P300S.
Identifiers: ClinVar variation 4011646 (VCV004011646.1).